The following is an entry in ClinVar:

ClinVar aggregate classification (germline): Likely pathogenic (1 of 4 stars; one submission).

Conditions:
Orofacial cleft 6, susceptibility to (OFC6). Also called: CLEFT LIP WITH OR WITHOUT CLEFT PALATE, NONSYNDROMIC, 6. Identifiers: MedGen C1837213, MONDO:0012141, OMIM 608864.
Popliteal pterygium syndrome (PPS). Identifiers: Orphanet 294963, MedGen C0265259, MONDO:0017435.
Van der Woude syndrome. Identifiers: Orphanet 888, MedGen C0175697, MONDO:0019508.

Submissions (2):

Labcorp Genetics (formerly Invitae), Labcorp
Classification: Likely pathogenic for Orofacial cleft 6, susceptibility to; Van der Woude syndrome; Popliteal pterygium syndrome. Last evaluated: 2024-08-06. Review status: criteria provided, single submitter. Criteria: Invitae Variant Classification Sherloc (09022015). Collection method: clinical testing. Allele origin: germline.
Comment: This sequence change affects an acceptor splice site in intron 5 of the IRF6 gene. It is expected to disrupt RNA splicing. Variants that disrupt the donor or acceptor splice site typically lead to a loss of protein function (PMID: 16199547), and loss-of-function variants in IRF6 are known to be pathogenic (PMID: 19282774, 23949966). This variant is not present in population databases (gnomAD no frequency). This variant has not been reported in the literature in individuals affected with IRF6-related conditions. Algorithms developed to predict the effect of sequence changes on RNA splicing suggest that this variant may disrupt the consensus splice site. In summary, the currently available evidence indicates that the variant is pathogenic, but additional data are needed to prove that conclusively. Therefore, this variant has been classified as Likely Pathogenic.

Dr. Peter K. Rogan Lab, Western University
No classification provided (evidence only). Condition: Pancreatic adenocarcinoma. Review status: no classification provided. Collection method: in vitro. Allele origin: not applicable. Functional consequence: retained intron. Not counted in ClinVar's aggregate classification.

Literature cited by the submitters: PubMed 16199547 (cited by Labcorp Genetics (formerly Invitae), Labcorp); PubMed 19282774 (cited by Labcorp Genetics (formerly Invitae), Labcorp); PubMed 23949966 (cited by Labcorp Genetics (formerly Invitae), Labcorp).

NM_006147.4(IRF6):c.509-1G>A

Gene: IRF6 (interferon regulatory factor 6; minus strand). Cytogenetic location: 1q32.2.
Variant type: single nucleotide variant.
Coding change: c.509-1G>A on transcript NM_006147.4 (MANE Select); the canonical splice acceptor site of the intron before coding-DNA position 509, G replaced by A.
Molecular consequence: splice acceptor variant.
Genome position (GRCh38, 1-based): chr1:209,792,428, C>T on the plus strand (G>A on the coding strand, the complement: IRF6 is on the minus strand). VCF-style: chr1-209792428-C-T. GRCh37 (hg19) VCF-style: chr1-209965773-C-T.
Other names: c.224-1G>A (NM_001206696.2).
Identifiers: ClinVar variation 3757560 (VCV003757560.3).